The following is an entry in ClinVar:

ClinVar aggregate classification (germline): Uncertain significance. Review status: criteria provided, multiple submitters, no conflicts (2 of 4 stars). 11 submissions from 11 submitters: Uncertain significance (11). Last evaluated 2026-02-16.

Conditions:
RYR1-related disorder. Also called: RYR1-related condition; RYR1-related disorders. Identifiers: MedGen CN239331.
Central core myopathy (CMYO1A). Also called: CONGENITAL MYOPATHY 1A, AUTOSOMAL DOMINANT, WITH SUSCEPTIBILITY TO MALIGNANT HYPERTHERMIA; Central core disease; Myopathy, central fibrillar. Identifiers: Orphanet 597, MedGen C5830701, MONDO:0007294, OMIM 117000.
Malignant hyperthermia, susceptibility to, 1 (MHS1). Also called: RYR1-Related Malignant Hyperthermia Susceptibility; Anesthesia related hyperthermia; Malignant hyperpyrexia; Fulminating hyperpyrexia; Pharmacogenic myopathy; Malignant hyperthermia suceptibility 1. Identifiers: Orphanet 423, MedGen C2930980, MONDO:0007783, OMIM 145600.
King Denborough syndrome (KDS). Identifiers: MedGen C1840365, MONDO:0020485, OMIM 619542.
Congenital multicore myopathy with external ophthalmoplegia (CMYO1B). Also called: MULTIMINICORE DISEASE WITH EXTERNAL OPHTHALMOPLEGIA; MULTICORE MYOPATHY; Minicore myopathy with external ophthalmoplegia; Congenital myopathy 1B, autosomal recessive; Minicore myopathy. Identifiers: Orphanet 598, Orphanet 98905, MedGen C1850674, MONDO:0009712, OMIM 255320, HP:0003789.

Allele frequency attached by ClinVar (database versions not stated): gnomAD exomes 0.00003 and 0.00013; gnomAD 0.00004 and 0.00005; TOPMed 0.00008; ExAC 0.00012; 1000 Genomes Project 0.00020; 1000 Genomes Project 30x 0.00031.
gnomAD v4.1: 62 of 1,605,366 alleles (0.0039%); highest among the groups gnomAD compares: East Asian, 0.085%; 1 homozygote.

Submissions (11):

PreventionGenetics, part of Exact Sciences
Classification: Uncertain significance for RYR1-related condition. Last evaluated: 2026-02-16. Review status: criteria provided, single submitter. Criteria: ACMG Guidelines, 2015. Collection method: clinical testing. Allele origin: germline.
Comment: The RYR1 c.7204C>T variant is predicted to result in the amino acid substitution p.Arg2402Trp. To our knowledge, this variant has not been reported in the literature in individuals with RYR1-related disorders. This variant was observed in a cohort of Thai individuals undergoing exome analysis; however, no evidence for pathogenicity was provided (Supp. Table 1, Chetruengchai et al. 2022. PubMed ID: 34621001). This variant is reported in 0.13% of alleles in individuals of East Asian descent in gnomAD, which may be too frequent to be a primary cause of autosomal dominant disease. At this time, the clinical significance of this variant is uncertain due to the absence of conclusive functional and genetic evidence.

Labcorp Genetics (formerly Invitae), Labcorp
Classification: Uncertain significance for RYR1-related disorder. Last evaluated: 2026-02-01. Review status: criteria provided, single submitter. Criteria: Invitae Variant Classification Sherloc (09022015). Collection method: clinical testing. Allele origin: germline.
Comment: This sequence change replaces arginine, which is basic and polar, with tryptophan, which is neutral and slightly polar, at codon 2402 of the RYR1 protein (p.Arg2402Trp). This variant is present in population databases (rs575780192, gnomAD 0.1%). This variant has not been reported in the literature in individuals affected with RYR1-related conditions. ClinVar contains an entry for this variant (Variation ID: 212105). Invitae Evidence Modeling of protein sequence and biophysical properties (such as structural, functional, and spatial information, amino acid conservation, physicochemical variation, residue mobility, and thermodynamic stability) indicates that this missense variant is not expected to disrupt RYR1 protein function with a negative predictive value of 80%. In summary, the available evidence is currently insufficient to determine the role of this variant in disease. Therefore, it has been classified as a Variant of Uncertain Significance.

Color Diagnostics, LLC DBA Color Health
Classification: Uncertain significance for Malignant hyperthermia, susceptibility to, 1. Last evaluated: 2025-12-11. Review status: criteria provided, single submitter. Criteria: ACMG Guidelines, 2015. Collection method: clinical testing. Allele origin: germline.
Comment: This missense variant replaces arginine with tryptophan at codon 2402 of the RYR1 protein. Computational predictions are inconclusive for impact on protein structure and function. This variant occurs in a region of the RYR1 protein that is considered to be a hotspot for pathogenic variants that contribute to malignant hyperthermia susceptibility (PMID: 21118704). To our knowledge, functional studies have not been reported for this variant. This variant has not been reported in individuals affected with RYR1-related disorders in the literature. This variant has been identified in 62/1605366 chromosomes in the general population by the Genome Aggregation Database (gnomAD). The available evidence is insufficient to determine the role of this variant in disease conclusively. Therefore, this variant is classified as a Variant of Uncertain Significance.

All of Us Research Program, National Institutes of Health
Classification: Uncertain significance for Malignant hyperthermia, susceptibility to, 1. Last evaluated: 2024-06-09. Review status: criteria provided, single submitter. Criteria: ACMG Guidelines, 2015. Collection method: clinical testing. Allele origin: germline. Inheritance: Autosomal dominant inheritance. Observed: 11 variant alleles, 11 heterozygotes.
Comment: This missense variant replaces arginine with tryptophan at codon 2402 of the RYR1 protein. Computational prediction is inconclusive regarding the impact of this variant on protein structure and function. This variant occurs in a region of the RYR1 protein that is considered to be a hotspot for pathogenic variants that contribute to malignant hyperthermia susceptibility (PMID: 21118704). To our knowledge, functional studies have not been reported for this variant. This variant has not been reported in individuals affected with RYR1-related disorders in the literature. This variant has been identified in 34/266730 chromosomes in the general population by the Genome Aggregation Database (gnomAD). The available evidence is insufficient to determine the role of this variant in disease conclusively. Therefore, this variant is classified as a Variant of Uncertain Significance.

This study involves interpretation of variants in research participants for the purpose of population health screening. Participant phenotype was not available at the time of variant classification. Additional details can be found in publication PMID: 35346344, PMCID: PMC8962531

Revvity Omics, Revvity
Classification: Uncertain significance. Last evaluated: 2024-03-26. Review status: criteria provided, single submitter. Criteria: ACMG Guidelines, 2015. Collection method: clinical testing. Allele origin: germline.

Daryl Scott Lab, Baylor College of Medicine
Classification: Uncertain significance for RYR1-related disorder. Last evaluated: 2024-01-01. Review status: criteria provided, single submitter. Criteria: ACMG Guidelines, 2015. Collection method: clinical testing. Allele origin: maternal. Observed: 1 heterozygote.
Comment: PP3

Mayo Clinic Laboratories, Mayo Clinic
Classification: Uncertain significance. Last evaluated: 2023-06-22. Review status: criteria provided, single submitter. Criteria: ACMG Guidelines, 2015. Collection method: clinical testing. Allele origin: germline. Observed: 1 variant allele.
Comment: the same text as in the submission from Daryl Scott Lab, Baylor College of Medicine above.

Molecular Genetics, Royal Melbourne Hospital
Classification: Uncertain significance for Malignant hyperthermia, susceptibility to, 1. Last evaluated: 2023-03-30. Review status: criteria provided, single submitter. Criteria: ACMG Guidelines, 2015. Collection method: clinical testing. Allele origin: germline. Affected: yes.
Comment: This sequence change is predicted to replace arginine with tryptophan at codon 2402 in exon 44 of the RYR1 protein (p.(Arg2402Trp)). The arginine residue is moderately conserved (100 vertebrates, UCSC), and is located in the RYR1 cytosolic shell. There is a large physicochemical difference between arginine and tryptophan. The variant is present in a large population cohort at a frequency of 0.01% (rs575780192, 34/266,730 alleles, 0 homozygotes in gnomAD v2.1), with a frequency of 0.1% in the east Asian population (25/19,482 alleles in gnomAD v2.1). The variant has been not been reported in RYR1-related disorders in the relevant medical literature, and has been reported as a variant of uncertain significance (ClinVar). Multiple lines of computational evidence predict a deleterious effect for the missense substitution (4/4 algorithms). Based on the classification scheme RMH Modified ACMG Guidelines v1.3.1, this variant is classified as a VARIANT OF UNCERTAIN SIGNIFICANCE. Following criteria are met: PP3.

GeneDx
Classification: Uncertain significance. Last evaluated: 2022-05-24. Review status: criteria provided, single submitter. Criteria: GeneDx Variant Classification Process June 2021. Collection method: clinical testing. Allele origin: germline. Affected: yes.
Comment: In silico analysis supports that this missense variant has a deleterious effect on protein structure/function; Has not been previously published as pathogenic or benign to our knowledge; This variant is associated with the following publications: (PMID: 20681998, 22473935, 16084090, 12668474)

Department of Pathology and Laboratory Medicine, Sinai Health System
Classification: Uncertain significance for Central core myopathy; Malignant hyperthermia, susceptibility to, 1; Congenital multicore myopathy with external ophthalmoplegia; King Denborough syndrome. Last evaluated: 2021-07-30. Review status: criteria provided, single submitter. Criteria: ACMG Guidelines, 2015. Collection method: research. Allele origin: germline.

Genetic Services Laboratory, University of Chicago
Classification: Uncertain significance. Last evaluated: 2015-04-10. Review status: criteria provided, single submitter. Criteria: ACMG Guidelines, 2015. Collection method: clinical testing. Allele origin: germline.

Literature cited by the submitters: PubMed 21118704 (cited by Color Diagnostics, LLC DBA Color Health and All of Us Research Program, National Institutes of Health).

NM_000540.3(RYR1):c.7204C>T (p.Arg2402Trp)

Gene: RYR1 (ryanodine receptor 1; plus strand). Cytogenetic location: 19q13.2.
Variant type: single nucleotide variant.
Coding change: c.7204C>T on transcript NM_000540.3 (MANE Select); coding-DNA position 7204, C replaced by T.
Protein change: p.Arg2402Trp; replaces arginine 2402 with tryptophan.
Molecular consequence: missense variant.
Genome position (GRCh38, 1-based): chr19:38,499,811, C>T. VCF-style: chr19-38499811-C-T. GRCh37 (hg19) VCF-style: chr19-38990451-C-T.
Other names: p.Arg2402Trp; c.7204C>T, p.Arg2402Trp (NM_001042723.2); short protein forms R2402W.
Identifiers: ClinVar variation 212105 (VCV000212105.23), dbSNP rs575780192, ClinGen allele CA069238.